The following is an entry in ClinVar:

ClinVar aggregate classification (germline): Likely benign. Review status: criteria provided, multiple submitters, no conflicts (2 of 4 stars). 3 submissions from 3 submitters: Likely benign (3). Last evaluated 2025-06-27.

Conditions:
Landau-Kleffner syndrome (FESD). Also called: EPILEPSY, FOCAL, WITH SPEECH DISORDER AND WITH OR WITHOUT MENTAL RETARDATION; APHASIA, ACQUIRED, WITH EPILEPSY. Identifiers: Orphanet 1945, Orphanet 725, Orphanet 98818, MedGen C0282512, MONDO:0009509, OMIM 245570.

Allele frequency attached by ClinVar (database versions not stated): gnomAD exomes 0.00006 and 0.00020; 1000 Genomes Project 30x 0.00016; 1000 Genomes Project 0.00020; ExAC 0.00006; TOPMed 0.00008; gnomAD 0.00009.
gnomAD v4.1: 289 of 1,591,102 alleles (0.018%); highest among the groups gnomAD compares: Non-Finnish European, 0.024%; no homozygotes.

Submissions (3):

Labcorp Genetics (formerly Invitae), Labcorp
Classification: Likely benign for Landau-Kleffner syndrome. Last evaluated: 2025-06-27. Review status: criteria provided, single submitter. Criteria: Invitae Variant Classification Sherloc (09022015). Collection method: clinical testing. Allele origin: germline.

GeneDx
Classification: Likely benign. Last evaluated: 2018-03-13. Review status: criteria provided, single submitter. Criteria: GeneDx Variant Classification (06012015). Collection method: clinical testing. Allele origin: germline. Affected: yes.
Comment: This variant is considered likely benign or benign based on one or more of the following criteria: it is a conservative change, it occurs at a poorly conserved position in the protein, it is predicted to be benign by multiple in silico algorithms, and/or has population frequency not consistent with disease.

Illumina Laboratory Services, Illumina
Classification: Likely benign for Landau-Kleffner syndrome. Last evaluated: 2018-01-13. Review status: criteria provided, single submitter. Criteria: ICSL Variant Classification Criteria 13 December 2019. Collection method: clinical testing. Allele origin: germline.
Comment: This variant was observed in the ICSL laboratory as part of a predisposition screen in an ostensibly healthy population. It had not been previously curated by ICSL or reported in the Human Gene Mutation Database (HGMD: prior to June 1st, 2018), and was therefore a candidate for classification through an automated scoring system. Utilizing variant allele frequency, disease prevalence and penetrance estimates, and inheritance mode, an automated score was calculated to assess if this variant is too frequent to cause the disease. Based on the score and internal cut-off values, a variant classified as likely benign is not then subjected to further curation. The score for this variant resulted in a classification of likely benign for this disease.

NM_001134407.3(GRIN2A):c.1007+13T>G

Gene: GRIN2A (glutamate ionotropic receptor NMDA type subunit 2A; minus strand). Cytogenetic location: 16p13.2.
Variant type: single nucleotide variant.
Coding change: c.1007+13T>G on transcript NM_001134407.3 (MANE Select); 13 bases into the intron after coding-DNA position 1007, T replaced by G.
Molecular consequence: intron variant.
Genome position (GRCh38, 1-based): chr16:9,937,946, A>C on the plus strand (T>G on the coding strand, the complement: GRIN2A is on the minus strand). VCF-style: chr16-9937946-A-C. GRCh37 (hg19) VCF-style: chr16-10031803-A-C.
Other names: c.1007+13T>G (NM_001134408.2, NM_000833.5).
Identifiers: ClinVar variation 517707 (VCV000517707.13), dbSNP rs199862009, ClinGen allele CA7896853.
Genomic context (GRCh38, chr16:9,937,946, plus strand): 5'-GTATGTAAGCAAGCAAACAATGACAACAGCAAAACTCTGATCCCACTTTGGGAGACAACA[A>C]GCCCTTTCTTACGGGTGCAAGGTGTGCATCGGGACCTCTGGCCTCTCCATCTGCCCGTAG-3'